The following is an entry in ClinVar:

ClinVar aggregate classification (germline): Uncertain significance. Review status: criteria provided, multiple submitters, no conflicts (2 of 4 stars). 2 submissions from 2 submitters: Uncertain significance (2). Last evaluated 2021-11-08.

Allele frequency attached by ClinVar (database versions not stated): TOPMed below 0.00001; gnomAD 0.00001.
gnomAD v4.1: 6 of 1,613,920 alleles (0.00037%); highest among the groups gnomAD compares: Admixed American, 0.0067%; no homozygotes.

Submissions (2):

AiLife Diagnostics
Classification: Uncertain significance. Last evaluated: 2021-11-08. Review status: criteria provided, single submitter. Criteria: ACMG Guidelines, 2015. Collection method: clinical testing. Allele origin: germline. Affected: yes. Observed: 1 variant allele.

GeneDx
Classification: Uncertain significance. Last evaluated: 2020-02-26. Review status: criteria provided, single submitter. Criteria: GeneDx Variant Classification Process June 2021. Collection method: clinical testing. Allele origin: germline. Affected: yes.
Comment: Not observed at a significant frequency in large population cohorts (Lek et al., 2016); Missense variant in a gene in which most reported pathogenic variants are truncating/loss-of-function

NM_001267550.2(TTN):c.6994G>A (p.Asp2332Asn)

Genes: TTN (titin; minus strand), LOC126806433 (BRD4-independent group 4 enhancer GRCh37_chr2:179638309-179639508; plus strand). Cytogenetic location: 2q31.2.
Variant type: single nucleotide variant.
Coding change: c.6994G>A on transcript NM_001267550.2 (MANE Select); coding-DNA position 6994, G replaced by A.
Protein change: p.Asp2332Asn; replaces aspartic acid 2332 with asparagine.
Molecular consequence: missense variant.
Genome position (GRCh38, 1-based): chr2:178,774,270, C>T on the plus strand (G>A on the coding strand, the complement: TTN is on the minus strand). VCF-style: chr2-178774270-C-T. GRCh37 (hg19) VCF-style: chr2-179638997-C-T.
Other names: c.6994G>A, p.Asp2332Asn (NM_001256850.1, NM_133378.4, NM_133379.5); c.6856G>A, p.Asp2286Asn (NM_003319.4, NM_133432.3, NM_133437.4); short protein forms D2286N, D2332N.
Identifiers: ClinVar variation 1312533 (VCV001312533.3), dbSNP rs771180382, ClinGen allele CA349681269.